The following is an entry in ClinVar:

NM_005751.5(AKAP9):c.9358+10A>G

Gene: AKAP9 (A-kinase anchoring protein 9; plus strand). Cytogenetic location: 7q21.2.
Variant type: single nucleotide variant.
Coding change: c.9358+10A>G on transcript NM_005751.5 (MANE Select); 10 bases into the intron after coding-DNA position 9358, A replaced by G.
Molecular consequence: intron variant.
Genome position (GRCh38, 1-based): chr7:92,089,539, A>G. VCF-style: chr7-92089539-A-G. GRCh37 (hg19) VCF-style: chr7-91718853-A-G.
Other names: c.9334+10A>G (NM_147185.3); c.4003+10A>G (NM_001379277.1).
Identifiers: ClinVar variation 360845 (VCV000360845.21), dbSNP rs180926926, ClinGen allele CA4337718.

ClinVar aggregate classification (germline): Benign/Likely benign. Review status: criteria provided, multiple submitters, no conflicts (2 of 4 stars). 4 submissions from 4 submitters: Benign (1); Likely benign (2). 1 of the submissions does not count toward it. Last evaluated 2025-12-24.

Conditions:
AKAP9-related disorder. Also called: AKAP9-related condition.
Long QT syndrome (LQTS). Identifiers: MedGen C0023976, MeSH D008133, MONDO:0002442. Disease mechanism: loss of function. Inheritance: Various modes of inheritance.

Allele frequency attached by ClinVar (database versions not stated): TOPMed 0.00064; 1000 Genomes Project 30x 0.00265; 1000 Genomes Project 0.00300.
gnomAD v4.1: 373 of 1,612,820 alleles (0.023%); highest among the groups gnomAD compares: East Asian, 0.79%; no homozygotes.

Submissions (4):

Labcorp Genetics (formerly Invitae), Labcorp
Classification: Benign for Long QT syndrome. Last evaluated: 2025-12-24. Review status: criteria provided, single submitter. Criteria: Invitae Variant Classification Sherloc (09022015). Collection method: clinical testing. Allele origin: germline.

Blueprint Genetics
Classification: Likely benign. Last evaluated: 2024-11-25. Review status: criteria provided, single submitter. Criteria: ACMG Guidelines, 2015. Collection method: clinical testing. Allele origin: germline.

GeneDx
Classification: Likely benign. Last evaluated: 2018-09-11. Review status: criteria provided, single submitter. Criteria: GeneDx Variant Classification Process June 2021. Collection method: clinical testing. Allele origin: germline. Affected: yes.
Comment: This variant is associated with the following publications: (PMID: 28878402)

PreventionGenetics, part of Exact Sciences
Classification: Benign for AKAP9-related condition. Last evaluated: 2019-04-09. Review status: no assertion criteria provided. Collection method: clinical testing. Allele origin: germline. Not counted in ClinVar's aggregate classification.
Comment: This variant is classified as benign based on ACMG/AMP sequence variant interpretation guidelines (Richards et al. 2015 PMID: 25741868, with internal and published modifications).